The following is an entry in ClinVar:

NM_005560.6(LAMA5):c.10601-5C>T

Gene: LAMA5 (laminin subunit alpha 5; minus strand). Cytogenetic location: 20q13.33.
Variant type: single nucleotide variant.
Coding change: c.10601-5C>T on transcript NM_005560.6 (MANE Select); 5 bases into the intron before coding-DNA position 10601, C replaced by T.
Molecular consequence: intron variant.
Genome position (GRCh38, 1-based): chr20:62,310,316, G>A on the plus strand (C>T on the coding strand, the complement: LAMA5 is on the minus strand). VCF-style: chr20-62310316-G-A. GRCh37 (hg19) VCF-style: chr20-60885372-G-A.
Identifiers: ClinVar variation 3117491 (VCV003117491.1), dbSNP rs545263322, ClinGen allele CA9939708.
Genomic context (GRCh38, chr20:62,310,316, plus strand): 5'-CAGGGGCCGCACCTCCAGTTCCAGGCCCACATCAGGCAGTGTAGCTCCTGGGAGGTCTGC[G>A]GGGAGGGGTTGTGATGGAGAAGAAAGGGGGGGCCCCTCCCCAGAACCTCCTGGAGCCCCC-3'

ClinVar aggregate classification (germline): Uncertain significance (1 of 4 stars; one submission).

Conditions:
Inborn genetic diseases. Identifiers: MedGen C0950123, MeSH D030342.

Allele frequency attached by ClinVar (database versions not stated): ExAC 0.00001; gnomAD 0.00001; TOPMed 0.00001; 1000 Genomes Project 0.00020; 1000 Genomes Project 30x 0.00031.
gnomAD v4.1: 20 of 1,596,796 alleles (0.0013%); highest among the groups gnomAD compares: East Asian, 0.011%; no homozygotes.

Submission:

Ambry Genetics
Classification: Uncertain significance for Inborn genetic diseases. Last evaluated: 2023-11-01. Review status: criteria provided, single submitter. Criteria: Ambry Variant Classification Scheme 2023. Collection method: clinical testing. Allele origin: germline.
Comment: The c.10601-5C>T intronic alteration consists of a C to T substitution 5 nucleotides before coding exon 77 in the LAMA5 gene. Based on insufficient or conflicting evidence, the clinical significance of this alteration remains unclear.